The following is an entry in ClinVar:

NM_001278669.2(NFATC1):c.127+4036_127+4040dup

Genes: NFATC1 (nuclear factor of activated T cells 1; plus strand), LOC130062776 (ATAC-STARR-seq lymphoblastoid silent region 9574; plus strand). Cytogenetic location: 18q23.
Variant type: Duplication.
Coding change: c.127+4036_127+4040dup on transcript NM_001278669.2 (MANE Select); bases 4036 to 4040 of the intron after coding-DNA position 127, 5 bases duplicated (CCGCC; older notation c.127+4036_127+4040dupCCGCC).
Molecular consequence: intron variant. On other transcripts: frameshift variant (4), 5 prime UTR variant (1).
Genome position (GRCh38, 1-based): chr18:79,400,387-79,400,391, CCGCC duplicated; duplicating any 5 consecutive bases within chr18:79,400,386-79,400,391 gives the same sequence; the c. name uses the placement nearest the transcript's 3' end. VCF-style (leftmost placement, unchanged base first): chr18-79400385-A-ACCCGC. GRCh37 (hg19) VCF-style: chr18-77160385-A-ACCCGC.
Other names: c.-5_-1dup, p.Met1fs (NM_001278672.2, NM_001278675.2, NM_172387.3 and 1 more transcripts); c.-283_-279dup (NM_001278673.2); c.127+4036_127+4040dup (NM_006162.5, NM_001278670.2, NM_172390.3); c.-191+4036_-191+4040dup (NM_172388.3); short protein forms M1fs.
Identifiers: ClinVar variation 3053678 (VCV003053678.2), dbSNP rs749645871, ClinGen allele CA9008686.

ClinVar aggregate classification (germline): Benign (0 of 4 stars; one submission).

Conditions:
NFATC1-related disorder. Also called: NFATC1-related condition.

Submission:

PreventionGenetics, part of Exact Sciences
Classification: Benign for NFATC1-related condition. Last evaluated: 2019-03-01. Review status: no assertion criteria provided. Collection method: clinical testing. Allele origin: germline.
Comment: This variant is classified as benign based on ACMG/AMP sequence variant interpretation guidelines (Richards et al. 2015 PMID: 25741868, with internal and published modifications).